The following is an entry in ClinVar:

NM_016038.4(SBDS):c.671T>C (p.Ile224Thr)

Gene: SBDS (SBDS ribosome maturation factor; minus strand). Cytogenetic location: 7q11.21.
Variant type: single nucleotide variant.
Coding change: c.671T>C on transcript NM_016038.4 (MANE Select); coding-DNA position 671, T replaced by C.
Protein change: p.Ile224Thr; replaces isoleucine 224 with threonine.
Molecular consequence: missense variant.
Genome position (GRCh38, 1-based): chr7:66,988,453, A>G on the plus strand (T>C on the coding strand, the complement: SBDS is on the minus strand). VCF-style: chr7-66988453-A-G. GRCh37 (hg19) VCF-style: chr7-66453440-A-G.
Other names: c.671T>C (LRG_104t1); short protein forms I224T.
Identifiers: ClinVar variation 436638 (VCV000436638.7), dbSNP rs543458458, ClinGen allele CA4279111.

ClinVar aggregate classification (germline): Uncertain significance. Review status: criteria provided, multiple submitters, no conflicts (2 of 4 stars). 2 submissions from 2 submitters: Uncertain significance (2). Last evaluated 2024-11-22.

Conditions:
Inborn genetic diseases. Identifiers: MedGen C0950123, MeSH D030342.

Allele frequency attached by ClinVar (database versions not stated): gnomAD below 0.00001 and 0.00005; TOPMed below 0.00001; gnomAD exomes 0.00003 and 0.00005; ExAC 0.00008; 1000 Genomes Project 30x 0.00078; 1000 Genomes Project 0.00100.
gnomAD v4.1: 46 of 1,613,906 alleles (0.0029%); highest among the groups gnomAD compares: South Asian, 0.047%; no homozygotes.

Submissions (2):

Ambry Genetics
Classification: Uncertain significance for Inborn genetic diseases. Last evaluated: 2024-11-22. Review status: criteria provided, single submitter. Criteria: Ambry Variant Classification Scheme 2023. Collection method: clinical testing. Allele origin: germline.
Comment: The p.I224T variant (also known as c.671T>C), located in coding exon 5 of the SBDS gene, results from a T to C substitution at nucleotide position 671. The isoleucine at codon 224 is replaced by threonine, an amino acid with similar properties. This amino acid position is conserved. In addition, this alteration is predicted to be deleterious by in silico analysis. Based on the available evidence, the clinical significance of this variant remains unclear.

Genetic Services Laboratory, University of Chicago
Classification: Uncertain significance. Last evaluated: 2017-05-22. Review status: criteria provided, single submitter. Criteria: ACMG Guidelines, 2015. Collection method: clinical testing. Allele origin: germline. Affected: no.